The following is an entry in ClinVar:

ClinVar aggregate classification (germline): Conflicting classifications of pathogenicity. Review status: criteria provided, conflicting classifications (1 of 4 stars). 5 submissions from 4 submitters: Uncertain significance (2); Likely benign (3). Last evaluated 2026-03-18.

Conditions:
Achromatopsia. Also called: Rod monochromatism. Identifiers: Orphanet 49382, MedGen C0152200, MONDO:0018852, HP:0011516.
Cone dystrophy 4 (COD4). Identifiers: Orphanet 49382, MedGen C2751308, MONDO:0013129, OMIM 613093.
PDE6C-related disorder. Also called: PDE6C-related condition.

Allele frequency attached by ClinVar (database versions not stated): gnomAD exomes below 0.00001 and 0.00003; TOPMed below 0.00001; gnomAD 0.00001 and 0.00002; ExAC 0.00004; 1000 Genomes Project 30x 0.00016; 1000 Genomes Project 0.00020.
gnomAD v4.1: 11 of 1,614,166 alleles (0.00068%); highest among the groups gnomAD compares: East Asian, 0.018%; no homozygotes.

Submissions (5):

PreventionGenetics, part of Exact Sciences
Classification: Likely benign for PDE6C-related condition. Last evaluated: 2026-03-18. Review status: criteria provided, single submitter. Criteria: ACMG Guidelines, 2015. Collection method: clinical testing. Allele origin: germline.
Comment: This variant is classified as likely benign based on ACMG/AMP sequence variant interpretation guidelines (Richards et al. 2015 PMID: 25741868, with internal and published modifications).

Labcorp Genetics (formerly Invitae), Labcorp
Classification: Likely benign. Last evaluated: 2025-07-03. Review status: criteria provided, single submitter. Criteria: Invitae Variant Classification Sherloc (09022015). Collection method: clinical testing. Allele origin: germline.

CeGaT Center for Human Genetics Tuebingen
Classification: Likely benign. Last evaluated: 2025-02-01. Review status: criteria provided, single submitter. Criteria: CeGaT Center For Human Genetics Tuebingen Variant Classification Criteria Version 2. Collection method: clinical testing. Allele origin: germline. Affected: yes. Observed: 1 variant allele.
Comment: PDE6C: BP4, BP7

Illumina Laboratory Services, Illumina
Classification: Uncertain significance for Achromatopsia. Last evaluated: 2017-04-27. Review status: criteria provided, single submitter. Criteria: ICSL Variant Classification Criteria 13 December 2019. Collection method: clinical testing. Allele origin: germline.
Comment: This variant was observed as part of a predisposition screen in an ostensibly healthy population. A literature search was performed for the gene, cDNA change, and amino acid change (where applicable). Publications were found based on this search. However, the evidence from the literature, in combination with allele frequency data from public databases where available, was not sufficient to rule this variant in or out of causing disease. Therefore, this variant is classified as a variant of unknown significance.

Illumina Laboratory Services, Illumina
Classification: Uncertain significance for Cone dystrophy 4. Last evaluated: 2017-04-27. Review status: criteria provided, single submitter. Criteria: ICSL Variant Classification Criteria 13 December 2019. Collection method: clinical testing. Allele origin: germline.
Comment: the same text as in the submission from Illumina Laboratory Services, Illumina above.

Literature cited by the submitters: PubMed 18614542 (cited by Illumina Laboratory Services, Illumina).

NM_006204.4(PDE6C):c.306G>A (p.Arg102=)

Gene: PDE6C (phosphodiesterase 6C; plus strand). Cytogenetic location: 10q23.33.
Variant type: single nucleotide variant.
Coding change: c.306G>A on transcript NM_006204.4 (MANE Select); coding-DNA position 306, G replaced by A.
Protein change: p.Arg102=; no amino-acid change (arginine 102 retained).
Molecular consequence: synonymous variant.
Genome position (GRCh38, 1-based): chr10:93,613,031, G>A. VCF-style: chr10-93613031-G-A. GRCh37 (hg19) VCF-style: chr10-95372788-G-A.
Identifiers: ClinVar variation 878956 (VCV000878956.26), dbSNP rs545034158, ClinGen allele CA5609805.